The following is an entry in ClinVar:

NM_020937.4(FANCM):c.6008+1G>A

Gene: FANCM (FA complementation group M; plus strand). Cytogenetic location: 14q21.2.
Variant type: single nucleotide variant.
Coding change: c.6008+1G>A on transcript NM_020937.4 (MANE Select); the canonical splice donor site of the intron after coding-DNA position 6008, G replaced by A.
Molecular consequence: splice donor variant.
Genome position (GRCh38, 1-based): chr14:45,198,936, G>A. VCF-style: chr14-45198936-G-A. GRCh37 (hg19) VCF-style: chr14-45668139-G-A.
Other names: c.5930+1G>A (NM_001308133.2).
Identifiers: ClinVar variation 830266 (VCV000830266.7), dbSNP rs984955481, ClinGen allele CA389587816.

ClinVar aggregate classification (germline): Uncertain significance. Review status: criteria provided, multiple submitters, no conflicts (2 of 4 stars). 2 submissions from 2 submitters: Uncertain significance (2). Last evaluated 2025-07-21.

Conditions:
Fanconi anemia (FA). Also called: Fanconi's anemia. Identifiers: Orphanet 84, MedGen C0015625, MeSH D005199, MONDO:0019391.
Hereditary breast ovarian cancer syndrome. Also called: Hereditary breast and/or ovarian cancer syndrome; Hereditary breast and ovarian cancer syndrome (HBOC); Breast and ovarian cancer; Hereditary breast and ovarian cancer; BRCA1- and BRCA2-Associated Hereditary Breast and Ovarian Cancer; Hereditary breast and ovarian cancer syndrome. Identifiers: Orphanet 145, MedGen C0677776, MeSH D061325, MONDO:0003582. Disease mechanism: loss of function.

Allele frequency attached by ClinVar (database versions not stated): gnomAD exomes below 0.00001.
gnomAD v4.1: 1 of 1,596,792 alleles (0.000063%); highest among the groups gnomAD compares: East Asian, 0.0022%; no homozygotes.

Submissions (2):

Labcorp Genetics (formerly Invitae), Labcorp
Classification: Uncertain significance for Fanconi anemia. Last evaluated: 2025-07-21. Review status: criteria provided, single submitter. Criteria: Invitae Variant Classification Sherloc (09022015). Collection method: clinical testing. Allele origin: germline.
Comment: This sequence change affects a donor splice site in intron 22 of the FANCM gene. While this variant is not anticipated to result in nonsense mediated decay, it likely alters RNA splicing and results in a disrupted protein product. This variant is not present in population databases (gnomAD no frequency). This variant has not been reported in the literature in individuals affected with FANCM-related conditions. ClinVar contains an entry for this variant (Variation ID: 830266). Variants that disrupt the consensus splice site are a relatively common cause of aberrant splicing (PMID: 17576681, 9536098). Algorithms developed to predict the effect of sequence changes on RNA splicing suggest that this variant may disrupt the consensus splice site. In summary, the available evidence is currently insufficient to determine the role of this variant in disease. Therefore, it has been classified as a Variant of Uncertain Significance.

Cancer Genomics Group, Japanese Foundation For Cancer Research
Classification: Uncertain significance for Hereditary breast and ovarian cancer syndrome. Last evaluated: 2019-05-01. Review status: criteria provided, single submitter. Criteria: ACMG Guidelines, 2015. Collection method: research. Allele origin: germline. Affected: yes.

Literature cited by the submitters: PubMed 17576681 (cited by Labcorp Genetics (formerly Invitae), Labcorp); PubMed 9536098 (cited by Labcorp Genetics (formerly Invitae), Labcorp).